The following is an entry in ClinVar:

ClinVar aggregate classification (germline): Conflicting classifications of pathogenicity. Review status: criteria provided, conflicting classifications (1 of 4 stars). 4 submissions from 4 submitters: Uncertain significance (1); Likely benign (2). 1 of the submissions does not count toward it. Last evaluated 2026-01-16.

Conditions:
IFT140-related disorder. Also called: IFT140-related condition.
Saldino-Mainzer syndrome (SRTD9). Also called: SHORT-RIB THORACIC DYSPLASIA 9 WITHOUT POLYDACTYLY; short-rib thoracic dysplasia 9 with or without polydactyly; CONORENAL SYNDROME; Renal dysplasia, retinal pigmentary dystrophy, cerebellar ataxia and skeletal dysplasia. Identifiers: Orphanet 140969, MedGen C1849437, MONDO:0009964, OMIM 266920.

Allele frequency attached by ClinVar (database versions not stated): gnomAD exomes 0.00008 and 0.00010; TOPMed 0.00008; gnomAD 0.00010 and 0.00011; ExAC 0.00021; ESP Exome Variant Server 0.00023.
gnomAD v4.1: 141 of 1,571,454 alleles (0.009%); highest among the groups gnomAD compares: Middle Eastern, 0.04%; no homozygotes.

Submissions (4):

Labcorp Genetics (formerly Invitae), Labcorp
Classification: Likely benign for Saldino-Mainzer syndrome. Last evaluated: 2026-01-16. Review status: criteria provided, single submitter. Criteria: Invitae Variant Classification Sherloc (09022015). Collection method: clinical testing. Allele origin: germline.

Blueprint Genetics
Classification: Likely benign. Last evaluated: 2024-06-27. Review status: criteria provided, single submitter. Criteria: ACMG Guidelines, 2015. Collection method: clinical testing. Allele origin: germline.

Illumina Laboratory Services, Illumina
Classification: Uncertain significance for Saldino-Mainzer syndrome. Last evaluated: 2018-01-13. Review status: criteria provided, single submitter. Criteria: ICSL Variant Classification Criteria 13 December 2019. Collection method: clinical testing. Allele origin: germline.

PreventionGenetics, part of Exact Sciences
Classification: Likely benign for IFT140-related condition. Last evaluated: 2024-04-18. Review status: no assertion criteria provided. Collection method: clinical testing. Allele origin: germline. Not counted in ClinVar's aggregate classification.
Comment: This variant is classified as likely benign based on ACMG/AMP sequence variant interpretation guidelines (Richards et al. 2015 PMID: 25741868, with internal and published modifications).

NM_014714.4(IFT140):c.2724C>T (p.Ala908=)

Gene: IFT140 (intraflagellar transport 140; minus strand). Cytogenetic location: 16p13.3.
Variant type: single nucleotide variant.
Coding change: c.2724C>T on transcript NM_014714.4 (MANE Select); coding-DNA position 2724, C replaced by T.
Protein change: p.Ala908=; no amino-acid change (alanine 908 retained).
Molecular consequence: synonymous variant.
Genome position (GRCh38, 1-based): chr16:1,525,931, G>A on the plus strand (C>T on the coding strand, the complement: IFT140 is on the minus strand). VCF-style: chr16-1525931-G-A. GRCh37 (hg19) VCF-style: chr16-1575932-G-A.
Identifiers: ClinVar variation 790139 (VCV000790139.16), dbSNP rs138166567, ClinGen allele CA7813518.
Genomic context (GRCh38, chr16:1,525,931, plus strand): 5'-CGAGGGCCGCACTCACTAACTGAGGGCCCGGCTGCAGTCGGCGCTGGCCTCCAGGTGCCC[G>A]GCATAGCGGTGGTAGGTGCTGCGCAGGTGCACGCGATCGTGGTGCTCGGCTACCTGGAGG-3'
Protein context (NP_055529.2, residues 898-918): VHLRSTYHRY[Ala908=]GHLEASADCS